The following is an entry in ClinVar:

NM_002875.5(RAD51):c.8T>C (p.Met3Thr)

Gene: RAD51 (RAD51 recombinase; plus strand). Cytogenetic location: 15q15.1.
Variant type: single nucleotide variant.
Coding change: c.8T>C on transcript NM_002875.5 (MANE Select); coding-DNA position 8, T replaced by C.
Protein change: p.Met3Thr; replaces methionine 3 with threonine.
Molecular consequence: missense variant.
Genome position (GRCh38, 1-based): chr15:40,698,766, T>C. VCF-style: chr15-40698766-T-C. GRCh37 (hg19) VCF-style: chr15-40990964-T-C.
Other names: c.8T>C, p.Met3Thr (NM_001164269.2, NM_001164270.2, NM_133487.4); short protein forms M3T.
Identifiers: ClinVar variation 2560841 (VCV002560841.2), dbSNP rs374776986, ClinGen allele CA268838211.

ClinVar aggregate classification (germline): Uncertain significance (1 of 4 stars; one submission).

Conditions:
Inborn genetic diseases. Identifiers: MedGen C0950123, MeSH D030342.

Allele frequency attached by ClinVar (database versions not stated): gnomAD exomes below 0.00001.
gnomAD v4.1: 1 of 1,614,078 alleles (0.000062%); highest among the groups gnomAD compares: East Asian, 0.0022%; no homozygotes.

Submission:

Ambry Genetics
Classification: Uncertain significance for Inborn genetic diseases. Last evaluated: 2023-04-25. Review status: criteria provided, single submitter. Criteria: Ambry Variant Classification Scheme 2023. Collection method: clinical testing. Allele origin: germline.
Comment: The p.M3T variant (also known as c.8T>C), located in coding exon 1 of the RAD51 gene, results from a T to C substitution at nucleotide position 8. The methionine at codon 3 is replaced by threonine, an amino acid with similar properties. This amino acid position is conserved. In addition, this alteration is predicted to be deleterious by in silico analysis. Since supporting evidence is limited at this time, the clinical significance of this alteration remains unclear.